The following is an entry in ClinVar:

NM_001039753.4(EML6):c.4107T>C (p.Phe1369=)

Genes: EML6 (EMAP like 6; plus strand), LOC126806221 (BRD4-independent group 4 enhancer GRCh37_chr2:55177255-55178454; plus strand). Cytogenetic location: 2p16.1.
Variant type: single nucleotide variant.
Coding change: c.4107T>C on transcript NM_001039753.4 (MANE Select); coding-DNA position 4107, T replaced by C.
Protein change: p.Phe1369=; no amino-acid change (phenylalanine 1369 retained).
Molecular consequence: synonymous variant.
Genome position (GRCh38, 1-based): chr2:54,950,673, T>C. VCF-style: chr2-54950673-T-C. GRCh37 (hg19) VCF-style: chr2-55177810-T-C.
Identifiers: ClinVar variation 2650938 (VCV002650938.24), dbSNP rs190613764, ClinGen allele CA1662548.

ClinVar aggregate classification (germline): Likely benign (1 of 4 stars; one submission).

Allele frequency attached by ClinVar (database versions not stated): 1000 Genomes Project 30x 0.00031; 1000 Genomes Project 0.00040; ExAC 0.00171; TOPMed 0.00283; gnomAD 0.00295; gnomAD exomes 0.00445; ESP Exome Variant Server 0.00460.
gnomAD v4.1: 6,610 of 1,551,656 alleles (0.43%); highest among the groups gnomAD compares: Non-Finnish European, 0.51%; 14 homozygotes.

Submission:

CeGaT Center for Human Genetics Tuebingen
Classification: Likely benign. Last evaluated: 2022-05-01. Review status: criteria provided, single submitter. Criteria: CeGaT Center For Human Genetics Tuebingen Variant Classification Criteria Version 2. Collection method: clinical testing. Allele origin: germline. Affected: yes. Observed: 1 variant allele.
Comment: EML6: BP4, BP7